The following is an entry in ClinVar:

ClinVar aggregate classification (germline): Uncertain significance (1 of 4 stars; one submission).

Conditions:
Deficiency of hyaluronoglucosaminidase (MPS9). Also called: HYALURONIDASE DEFICIENCY; MPS IX; Mucopolysaccharidosis type 9. Identifiers: Orphanet 67041, MedGen C1291490, MONDO:0011093, OMIM 601492.

Allele frequency attached by ClinVar (database versions not stated): gnomAD exomes below 0.00001; ExAC 0.00002.

Submission:

Labcorp Genetics (formerly Invitae), Labcorp
Classification: Uncertain significance for Deficiency of hyaluronoglucosaminidase. Last evaluated: 2022-07-26. Review status: criteria provided, single submitter. Criteria: Invitae Variant Classification Sherloc (09022015). Collection method: clinical testing. Allele origin: germline.
Comment: This sequence change replaces glycine, which is neutral and non-polar, with valine, which is neutral and non-polar, at codon 80 of the HYAL1 protein (p.Gly80Val). This variant is present in population databases (rs782756652, gnomAD 0.01%). This variant has not been reported in the literature in individuals affected with HYAL1-related conditions. Algorithms developed to predict the effect of missense changes on protein structure and function (SIFT, PolyPhen-2, Align-GVGD) all suggest that this variant is likely to be disruptive. In summary, the available evidence is currently insufficient to determine the role of this variant in disease. Therefore, it has been classified as a Variant of Uncertain Significance.

NM_033159.4(HYAL1):c.239G>T (p.Gly80Val)

Gene: HYAL1 (hyaluronidase 1; minus strand). Cytogenetic location: 3p21.31.
Variant type: single nucleotide variant.
Coding change: c.239G>T on transcript NM_033159.4 (MANE Select); coding-DNA position 239, G replaced by T.
Protein change: p.Gly80Val; replaces glycine 80 with valine.
Molecular consequence: missense variant. On other transcripts: non-coding transcript variant (1), intron variant (2).
Genome position (GRCh38, 1-based): chr3:50,302,718, C>A on the plus strand (G>T on the coding strand, the complement: HYAL1 is on the minus strand). VCF-style: chr3-50302718-C-A. GRCh37 (hg19) VCF-style: chr3-50340149-C-A.
Other names: c.239G>T, p.Gly80Val (NM_007312.3, NM_153281.2, NM_153282.3); c.-26-513G>T (NM_153285.3); c.-213-95G>T (NM_153283.3); short protein forms G80V.
Identifiers: ClinVar variation 1905098 (VCV001905098.2), dbSNP rs782756652, ClinGen allele CA2415987.